The following is an entry in ClinVar:

NM_016151.4(TAOK2):c.1106A>G (p.Asn369Ser)

Gene: TAOK2 (TAO kinase 2; plus strand). Cytogenetic location: 16p11.2.
Variant type: single nucleotide variant.
Coding change: c.1106A>G on transcript NM_016151.4 (MANE Select); coding-DNA position 1106, A replaced by G.
Protein change: p.Asn369Ser; replaces asparagine 369 with serine.
Molecular consequence: missense variant.
Genome position (GRCh38, 1-based): chr16:29,983,178, A>G. VCF-style: chr16-29983178-A-G. GRCh37 (hg19) VCF-style: chr16-29994499-A-G.
Other names: c.1106A>G, p.Asn369Ser (NM_001252043.2, NM_004783.4); short protein forms N369S.
Identifiers: ClinVar variation 3686843 (VCV003686843.2).

ClinVar aggregate classification (germline): Uncertain significance (1 of 4 stars; one submission).

gnomAD v4.1: 2 of 1,614,098 alleles (0.00012%); highest among the groups gnomAD compares: Non-Finnish European, 0.00017%; no homozygotes.

Submission:

Labcorp Genetics (formerly Invitae), Labcorp
Classification: Uncertain significance. Last evaluated: 2024-12-10. Review status: criteria provided, single submitter. Criteria: Invitae Variant Classification Sherloc (09022015). Collection method: clinical testing. Allele origin: germline.
Comment: This sequence change replaces asparagine, which is neutral and polar, with serine, which is neutral and polar, at codon 369 of the TAOK2 protein (p.Asn369Ser). This variant is not present in population databases (gnomAD no frequency). This variant has not been reported in the literature in individuals affected with TAOK2-related conditions. An algorithm developed to predict the effect of missense changes on protein structure and function (PolyPhen-2) suggests that this variant is likely to be tolerated. In summary, the available evidence is currently insufficient to determine the role of this variant in disease. Therefore, it has been classified as a Variant of Uncertain Significance.